The following is an entry in ClinVar:

ClinVar aggregate classification (germline): Uncertain significance (1 of 4 stars; one submission).

Conditions:
Norman-Roberts syndrome (LIS2). Also called: Lissencephaly 2 (Norman-Roberts type). Identifiers: Orphanet 89844, MedGen C0796089, MONDO:0009760, OMIM 257320.
Familial temporal lobe epilepsy 7. Identifiers: Orphanet 101046, MedGen C4225327, MONDO:0014639, OMIM 616436.

gnomAD v4.1: 1 of 1,614,126 alleles (0.000062%); highest among the groups gnomAD compares: South Asian, 0.0011%; no homozygotes.

Submission:

Labcorp Genetics (formerly Invitae), Labcorp
Classification: Uncertain significance for Familial temporal lobe epilepsy 7; Norman-Roberts syndrome. Last evaluated: 2024-02-06. Review status: criteria provided, single submitter. Criteria: Invitae Variant Classification Sherloc (09022015). Collection method: clinical testing. Allele origin: germline.
Comment: This sequence change replaces isoleucine, which is neutral and non-polar, with threonine, which is neutral and polar, at codon 1541 of the RELN protein (p.Ile1541Thr). This variant is not present in population databases (gnomAD no frequency). This variant has not been reported in the literature in individuals affected with RELN-related conditions. Advanced modeling of protein sequence and biophysical properties (such as structural, functional, and spatial information, amino acid conservation, physicochemical variation, residue mobility, and thermodynamic stability) performed at Invitae indicates that this missense variant is not expected to disrupt RELN protein function with a negative predictive value of 80%. In summary, the available evidence is currently insufficient to determine the role of this variant in disease. Therefore, it has been classified as a Variant of Uncertain Significance.

NM_005045.4(RELN):c.4622T>C (p.Ile1541Thr)

Gene: RELN (reelin; minus strand). Cytogenetic location: 7q22.1.
Variant type: single nucleotide variant.
Coding change: c.4622T>C on transcript NM_005045.4 (MANE Select); coding-DNA position 4622, T replaced by C.
Protein change: p.Ile1541Thr; replaces isoleucine 1541 with threonine.
Molecular consequence: missense variant.
Genome position (GRCh38, 1-based): chr7:103,566,726, A>G on the plus strand (T>C on the coding strand, the complement: RELN is on the minus strand). VCF-style: chr7-103566726-A-G. GRCh37 (hg19) VCF-style: chr7-103207173-A-G.
Other names: c.4622T>C, p.Ile1541Thr (NM_173054.3); short protein forms I1541T.
Identifiers: ClinVar variation 3754459 (VCV003754459.2).
Genomic context (GRCh38, chr7:103,566,726, plus strand): 5'-GAAATGATCTGTGGTTCCAGGAAGGACATGAAGTCCAACTCTCGAAGCAAATGCCAGAGT[A>G]TCCCATTGTCATTTGAATACTGAACAATAAGCCCTGAGTTAAAAGACATAAATCCAGTTA-3'
Protein context (NP_005036.2, residues 1531-1551): LIVQYSNDNG[Ile1541Thr]LWHLLRELDF